The following is an entry in ClinVar:

ClinVar aggregate classification (germline): Conflicting classifications of pathogenicity. Review status: criteria provided, conflicting classifications (1 of 4 stars). 4 submissions from 4 submitters: Uncertain significance (3); Likely benign (1). Last evaluated 2025-11-26.

Conditions:
Familial juvenile hyperuricemic nephropathy type 2 (ADTKD4). Also called: Autosomal Dominant Tubulointerstitial Kidney Disease – REN; EARLY-ONSET HYPERURICEMIA, ANEMIA, AND PROGRESSIVE KIDNEY FAILURE. Identifiers: Orphanet 217330, MedGen C2751310, MONDO:0013128, OMIM 613092.
Renal tubular dysgenesis of genetic origin. Also called: PRIMITIVE RENAL TUBULE SYNDROME. Identifiers: Orphanet 97369, MedGen C5681536, MONDO:0009970, OMIM 267430.
Inborn genetic diseases. Identifiers: MedGen C0950123, MeSH D030342.

Allele frequency attached by ClinVar (database versions not stated): gnomAD 0.00002; TOPMed 0.00003; 1000 Genomes Project 0.00020; 1000 Genomes Project 30x 0.00031.
gnomAD v4.1: 14 of 1,614,210 alleles (0.00087%); highest among the groups gnomAD compares: Admixed American, 0.012%; no homozygotes.

Submissions (4):

Ambry Genetics
Classification: Uncertain significance for Inborn genetic diseases. Last evaluated: 2025-11-26. Review status: criteria provided, single submitter. Criteria: Ambry Variant Classification Scheme 2023. Collection method: clinical testing. Allele origin: germline.

Labcorp Genetics (formerly Invitae), Labcorp
Classification: Uncertain significance. Last evaluated: 2025-02-20. Review status: criteria provided, single submitter. Criteria: Invitae Variant Classification Sherloc (09022015). Collection method: clinical testing. Allele origin: germline.
Comment: This sequence change replaces arginine, which is basic and polar, with cysteine, which is neutral and slightly polar, at codon 9 of the REN protein (p.Arg9Cys). This variant is present in population databases (rs115181548, gnomAD 0.01%). This variant has not been reported in the literature in individuals affected with REN-related conditions. ClinVar contains an entry for this variant (Variation ID: 2142224). An algorithm developed to predict the effect of missense changes on protein structure and function outputs the following: PolyPhen-2: "Benign". The cysteine amino acid residue is found in multiple mammalian species, which suggests that this missense change does not adversely affect protein function. In summary, the available evidence is currently insufficient to determine the role of this variant in disease. Therefore, it has been classified as a Variant of Uncertain Significance.

Fulgent Genetics
Classification: Uncertain significance for Renal tubular dysgenesis of genetic origin; Familial juvenile hyperuricemic nephropathy type 2. Last evaluated: 2024-04-19. Review status: criteria provided, single submitter. Criteria: ACMG Guidelines, 2015. Collection method: clinical testing. Allele origin: germline.

Blueprint Genetics
Classification: Likely benign. Last evaluated: 2022-02-09. Review status: criteria provided, single submitter. Criteria: ACMG Guidelines, 2015. Collection method: clinical testing. Allele origin: germline.

NM_000537.4(REN):c.25C>T (p.Arg9Cys)

Genes: REN (renin; minus strand), LOC107548112 (REN promoter and enhancer region; plus strand). Cytogenetic location: 1q32.1.
Variant type: single nucleotide variant.
Coding change: c.25C>T on transcript NM_000537.4 (MANE Select); coding-DNA position 25, C replaced by T.
Protein change: p.Arg9Cys; replaces arginine 9 with cysteine.
Molecular consequence: missense variant.
Genome position (GRCh38, 1-based): chr1:204,166,269, G>A on the plus strand (C>T on the coding strand, the complement: REN is on the minus strand). VCF-style: chr1-204166269-G-A. GRCh37 (hg19) VCF-style: chr1-204135397-G-A.
Other names: c.25C>T (NM_000537.3); short protein forms R9C.
Identifiers: ClinVar variation 2142224 (VCV002142224.7), dbSNP rs115181548, ClinGen allele CA1345087.